The following is an entry in ClinVar:

ClinVar aggregate classification (germline): Uncertain significance (1 of 4 stars; one submission).

Conditions:
Holoprosencephaly 5 (HPE5). Identifiers: Orphanet 2162, MedGen C1864827, MONDO:0012322, OMIM 609637.

Submission:

Labcorp Genetics (formerly Invitae), Labcorp
Classification: Uncertain significance for Holoprosencephaly 5. Last evaluated: 2024-04-10. Review status: criteria provided, single submitter. Criteria: Invitae Variant Classification Sherloc (09022015). Collection method: clinical testing. Allele origin: germline.
Comment: This variant, c.1374_1376dup, results in the insertion of 1 amino acid(s) of the ZIC2 protein (p.Ala470dup), but otherwise preserves the integrity of the reading frame. This variant is not present in population databases (gnomAD no frequency). This variant has been observed in individual(s) with holoprosencephaly (PMID: 21940735). Experimental studies and prediction algorithms are not available or were not evaluated, and the functional significance of this variant is currently unknown. In summary, the available evidence is currently insufficient to determine the role of this variant in disease. Therefore, it has been classified as a Variant of Uncertain Significance.

Literature cited by the submitters: PubMed 21940735.

NM_007129.5(ZIC2):c.1368GGC[4] (p.Ala470_Val471insAla)

Genes: ZIC2 (Zic family zinc finger 2; plus strand), LOC110008580 (Zic family member 2 polyalanine repeat instability region; plus strand). Cytogenetic location: 13q32.3.
Variant type: Microsatellite.
Coding change: c.1368GGC[4] on transcript NM_007129.5 (MANE Select); four copies in a row of the 3-base unit GGC starting at c.1368; the reference has three copies in a row; one copy, 3 bases duplicated.
Protein change: p.Ala470_Val471insAla.
Molecular consequence: inframe insertion.
Genome position (GRCh38, 1-based): chr13:99,985,457-99,985,459, GGC duplicated; duplicating any 3 consecutive bases within chr13:99,985,449-99,985,459 gives the same sequence; the position shown is the placement nearest the transcript's 3' end. VCF-style (leftmost placement, unchanged base first): chr13-99985448-A-AGCG. GRCh37 (hg19) VCF-style: chr13-100637702-A-AGCG.
Identifiers: ClinVar variation 2184623 (VCV002184623.4), dbSNP rs749567106, ClinGen allele CA2113880058.